The following is an entry in ClinVar:

ClinVar aggregate classification (germline): Conflicting classifications of pathogenicity. Review status: criteria provided, conflicting classifications (1 of 4 stars). 3 submissions from 3 submitters: Uncertain significance (2); Likely benign (1). Last evaluated 2025-08-02.

Allele frequency attached by ClinVar (database versions not stated): gnomAD 0.00005; TOPMed 0.00005; ESP Exome Variant Server 0.00008.
gnomAD v4.1: 105 of 1,613,560 alleles (0.0065%); highest among the groups gnomAD compares: Non-Finnish European, 0.0087%; no homozygotes.

Submissions (4):

GeneDx
Classification: Uncertain significance. Last evaluated: 2025-08-02. Review status: criteria provided, single submitter. Criteria: GeneDx Variant Classification Process June 2021. Collection method: clinical testing. Allele origin: germline. Affected: yes.
Comment: Has not been previously published as pathogenic or benign to our knowledge; In silico analysis supports a deleterious effect on splicing

Labcorp Genetics (formerly Invitae), Labcorp
Classification: Uncertain significance. Last evaluated: 2021-08-31. Review status: criteria provided, single submitter. Criteria: Invitae Variant Classification Sherloc (09022015). Collection method: clinical testing. Allele origin: germline.
Comment: This sequence change affects codon 1827 of the CDH23 mRNA. It is a 'silent' change, meaning that it does not change the encoded amino acid sequence of the CDH23 protein. This variant is present in population databases (rs375545532, ExAC 0.01%). This variant has not been reported in the literature in individuals affected with CDH23-related conditions. ClinVar contains an entry for this variant (Variation ID: 178307). Algorithms developed to predict the effect of sequence changes on RNA splicing suggest that this variant may create or strengthen a splice site. In summary, the available evidence is currently insufficient to determine the role of this variant in disease. Therefore, it has been classified as a Variant of Uncertain Significance.

Laboratory for Molecular Medicine, Mass General Brigham Personalized Medicine
Classification: Likely benign. Last evaluated: 2015-07-31. Review status: criteria provided, single submitter. Criteria: LMM Criteria. Collection method: clinical testing. Allele origin: germline. Observed: 2 variant alleles.
Comment: p.Gly1827Gly in exon 42 of CDH23: This variant is not expected to have clinical significance because it does not alter an amino acid residue, is not located wit hin the splice consensus sequence. It has been identified in 7/66164 European c hromosomes by the Exome Aggregation Consortium (ExAC .org; dbSNP rs375545532).

Dr. Peter K. Rogan Lab, Western University
No classification provided (evidence only). Condition: Thyroid cancer, nonmedullary, 1. Review status: no classification provided. Collection method: in vitro. Allele origin: not applicable. Functional consequence: retained intron. Not counted in ClinVar's aggregate classification.

NM_022124.6(CDH23):c.5481G>T (p.Gly1827=)

Gene: CDH23 (cadherin related 23; plus strand). Cytogenetic location: 10q22.1.
Variant type: single nucleotide variant.
Coding change: c.5481G>T on transcript NM_022124.6 (MANE Select); coding-DNA position 5481, G replaced by T.
Protein change: p.Gly1827=; no amino-acid change (glycine 1827 retained).
Molecular consequence: synonymous variant.
Genome position (GRCh38, 1-based): chr10:71,784,399, G>T. VCF-style: chr10-71784399-G-T. GRCh37 (hg19) VCF-style: chr10-73544156-G-T.
Identifiers: ClinVar variation 178307 (VCV000178307.11), dbSNP rs375545532, ClinGen allele CA182078.
Genomic context (GRCh38, chr10:71,784,399, plus strand): 5'-GGAGCTGGACCGGGAGACCATCGCCTTCTACAACCTGACCATCTGTGCCCGTGACCGGGG[G>T]ATGCCCCCACTCAGCTCCACAGTGAGTCTGGGGGCCCCACCCGCTGGCTTCACCTCGCTG-3'
Protein context (NP_071407.4, residues 1817-1837): YNLTICARDR[Gly1827=]MPPLSSTMLV